The following is an entry in ClinVar:

NM_178452.6(DNAAF1):c.1691A>C (p.Glu564Ala)

Gene: DNAAF1 (dynein axonemal assembly factor 1; plus strand). Cytogenetic location: 16q24.1.
Variant type: single nucleotide variant.
Coding change: c.1691A>C on transcript NM_178452.6 (MANE Select); coding-DNA position 1691, A replaced by C.
Protein change: p.Glu564Ala; replaces glutamic acid 564 with alanine.
Molecular consequence: missense variant.
Genome position (GRCh38, 1-based): chr16:84,174,715, A>C. VCF-style: chr16-84174715-A-C. GRCh37 (hg19) VCF-style: chr16-84208321-A-C.
Other names: c.983A>C, p.Glu328Ala (NM_001318756.1); short protein forms E328A, E564A.
Identifiers: ClinVar variation 1443150 (VCV001443150.8), dbSNP rs2151278226, ClinGen allele CA396950043.

ClinVar aggregate classification (germline): Uncertain significance (1 of 4 stars; one submission).

Conditions:
Primary ciliary dyskinesia. Also called: Ciliary dyskinesia. Identifiers: Orphanet 244, MedGen C0008780, MONDO:0016575, HP:0012265.

gnomAD v4.1: 1 of 1,614,222 alleles (0.000062%); highest among the groups gnomAD compares: Non-Finnish European, 0.000085%; no homozygotes.

Submission:

Labcorp Genetics (formerly Invitae), Labcorp
Classification: Uncertain significance for Primary ciliary dyskinesia. Last evaluated: 2021-07-10. Review status: criteria provided, single submitter. Criteria: Invitae Variant Classification Sherloc (09022015). Collection method: clinical testing. Allele origin: germline.
Comment: This sequence change replaces glutamic acid with alanine at codon 564 of the DNAAF1 protein (p.Glu564Ala). The glutamic acid residue is moderately conserved and there is a moderate physicochemical difference between glutamic acid and alanine. This variant is not present in population databases (ExAC no frequency). This variant has not been reported in the literature in individuals affected with DNAAF1-related conditions. Algorithms developed to predict the effect of missense changes on protein structure and function (SIFT, PolyPhen-2, Align-GVGD) all suggest that this variant is likely to be tolerated. In summary, the available evidence is currently insufficient to determine the role of this variant in disease. Therefore, it has been classified as a Variant of Uncertain Significance.